The following is an entry in ClinVar:

NM_000501.4(ELN):c.428-1G>C

Gene: ELN (elastin; plus strand). Cytogenetic location: 7q11.23.
Variant type: single nucleotide variant.
Coding change: c.428-1G>C on transcript NM_000501.4 (MANE Select); the canonical splice acceptor site of the intron before coding-DNA position 428, G replaced by C.
Molecular consequence: splice acceptor variant.
Genome position (GRCh38, 1-based): chr7:74,043,878, G>C. VCF-style: chr7-74043878-G-C. GRCh37 (hg19) VCF-style: chr7-73458208-G-C.
Other names: c.443-1G>C (NM_001081754.3, NM_001081753.3); c.428-1G>C (NM_001278939.2, NM_001278915.2, NM_001278912.2 and 2 more transcripts); c.392-1G>C (NM_001278913.2); c.413-1G>C (NM_001278914.2); c.398-1G>C (NM_001278917.2, NM_001081752.3, NM_001278918.2).
Identifiers: ClinVar variation 2572854 (VCV002572854.1), dbSNP rs1554670359, ClinGen allele CA367869587.
Genomic context (GRCh38, chr7:74,043,878, plus strand): 5'-CTGGGGAGGGGTCCCTGGAGGCTGAGCTGCTGCTAGTAACTTTGCTTTCTTTTGGCCACA[G>C]GTGTGGGGCTGCCAGGTGTATACCCAGGTGGCGTGCTCCCAGGTGAGAGCAAGGAGGGAA-3'

ClinVar aggregate classification (germline): Uncertain significance (1 of 4 stars; one submission).

Submission:

GeneDx
Classification: Uncertain significance. Last evaluated: 2023-01-12. Review status: criteria provided, single submitter. Criteria: GeneDx Variant Classification Process June 2021. Collection method: clinical testing. Allele origin: germline. Affected: yes.
Comment: Not observed at significant frequency in large population cohorts (gnomAD); Canonical splice site variant with an unclear effect on protein function; Has not been previously published as pathogenic or benign to our knowledge